The following is an entry in ClinVar:

ClinVar aggregate classification (germline): Conflicting classifications of pathogenicity. Review status: criteria provided, conflicting classifications (1 of 4 stars). 3 submissions from 3 submitters: Uncertain significance (2); Likely benign (1). Last evaluated 2025-06-09.

Conditions:
Hereditary cancer-predisposing syndrome. Also called: Hereditary Cancer Syndrome; Tumor predisposition; Hereditary neoplastic syndrome; Neoplastic Syndromes, Hereditary. Identifiers: Orphanet 140162, MedGen C0027672, MeSH D009386, MONDO:0015356.
Hereditary breast ovarian cancer syndrome. Also called: Hereditary breast and/or ovarian cancer syndrome; Hereditary breast and ovarian cancer syndrome; Hereditary breast and ovarian cancer syndrome (HBOC); Breast and ovarian cancer; Hereditary breast and ovarian cancer; BRCA1- and BRCA2-Associated Hereditary Breast and Ovarian Cancer. Identifiers: Orphanet 145, MedGen C0677776, MeSH D061325, MONDO:0003582. Disease mechanism: loss of function.

gnomAD v4.1: 2 of 1,590,902 alleles (0.00013%); highest among the groups gnomAD compares: East Asian, 0.0045%; no homozygotes.

Submissions (3):

Color Diagnostics, LLC DBA Color Health
Classification: Uncertain significance for Hereditary cancer-predisposing syndrome. Last evaluated: 2025-06-09. Review status: criteria provided, single submitter. Criteria: ACMG Guidelines, 2015. Collection method: clinical testing. Allele origin: germline.
Comment: This missense variant replaces cysteine with tyrosine at codon 315 of the BRCA2 protein. Computational prediction suggests that this variant may not impact protein structure and function. To our knowledge, functional studies have not been reported for this variant. This variant has been reported in a breast cancer case-control study in 1/7051 cases and 0/11241 unaffected controls (PMID: 30287823). This variant has not been identified in the general population by the Genome Aggregation Database (gnomAD). The available evidence is insufficient to determine the role of this variant in disease conclusively. Therefore, this variant is classified as a Variant of Uncertain Significance.

Labcorp Genetics (formerly Invitae), Labcorp
Classification: Uncertain significance for Hereditary breast ovarian cancer syndrome. Last evaluated: 2024-04-01. Review status: criteria provided, single submitter. Criteria: Invitae Variant Classification Sherloc (09022015). Collection method: clinical testing. Allele origin: germline.
Comment: This sequence change replaces cysteine, which is neutral and slightly polar, with tyrosine, which is neutral and polar, at codon 315 of the BRCA2 protein (p.Cys315Tyr). This variant is not present in population databases (gnomAD no frequency). This missense change has been observed in individual(s) with breast cancer (PMID: 30287823). ClinVar contains an entry for this variant (Variation ID: 1044855). Advanced modeling of protein sequence and biophysical properties (such as structural, functional, and spatial information, amino acid conservation, physicochemical variation, residue mobility, and thermodynamic stability) performed at Invitae indicates that this missense variant is not expected to disrupt BRCA2 protein function with a negative predictive value of 95%. In summary, the available evidence is currently insufficient to determine the role of this variant in disease. Therefore, it has been classified as a Variant of Uncertain Significance.

University of Washington Department of Laboratory Medicine, University of Washington
Classification: Likely benign for Hereditary cancer-predisposing syndrome. Last evaluated: 2023-03-23. Review status: criteria provided, single submitter. Criteria: Dines et al. (Genet Med. 2020). Collection method: curation. Allele origin: germline.
Comment: Missense variant in a coldspot region where missense variants are very unlikely to be pathogenic (PMID:31911673).

BRCA2 exon 10 coldspot. Reclassification based on statistical prior probability.

Literature cited by the submitters: PubMed 30287823 (cited by Color Diagnostics, LLC DBA Color Health and Labcorp Genetics (formerly Invitae), Labcorp).

NM_000059.4(BRCA2):c.944G>A (p.Cys315Tyr)

Gene: BRCA2 (BRCA2 DNA repair associated; plus strand). Cytogenetic location: 13q13.1.
Variant type: single nucleotide variant.
Coding change: c.944G>A on transcript NM_000059.4 (MANE Select); coding-DNA position 944, G replaced by A.
Protein change: p.Cys315Tyr; replaces cysteine 315 with tyrosine.
Molecular consequence: missense variant.
Genome position (GRCh38, 1-based): chr13:32,332,422, G>A. VCF-style: chr13-32332422-G-A. GRCh37 (hg19) VCF-style: chr13-32906559-G-A.
Other names: short protein forms C315Y.
Identifiers: ClinVar variation 1044855 (VCV001044855.8), dbSNP rs2072400977, ClinGen allele CA387760821.